The following is an entry in ClinVar:

NM_002691.4(POLD1):c.777C>G (p.Asp259Glu)

Gene: POLD1 (DNA polymerase delta 1, catalytic subunit; plus strand). Cytogenetic location: 19q13.33.
Variant type: single nucleotide variant.
Coding change: c.777C>G on transcript NM_002691.4 (MANE Select); coding-DNA position 777, C replaced by G.
Protein change: p.Asp259Glu; replaces aspartic acid 259 with glutamic acid.
Molecular consequence: missense variant. On other transcripts: non-coding transcript variant (1).
Genome position (GRCh38, 1-based): chr19:50,402,472, C>G. VCF-style: chr19-50402472-C-G. GRCh37 (hg19) VCF-style: chr19-50905729-C-G.
Other names: c.777C>G, p.Asp259Glu (NM_001256849.1, NM_001308632.1); c.777C>G (NM_002691.2); short protein forms D259E.
Identifiers: ClinVar variation 841929 (VCV000841929.9), dbSNP rs1158003090, ClinGen allele CA406974847.

ClinVar aggregate classification (germline): Conflicting classifications of pathogenicity. Review status: criteria provided, conflicting classifications (1 of 4 stars). 2 submissions from 2 submitters: Uncertain significance (1); Likely benign (1). Last evaluated 2025-08-29.

Conditions:
Hereditary cancer-predisposing syndrome. Also called: Tumor predisposition; Hereditary Cancer Syndrome; Hereditary neoplastic syndrome; Neoplastic Syndromes, Hereditary. Identifiers: Orphanet 140162, MedGen C0027672, MeSH D009386, MONDO:0015356.
POLD1-related polyposis and colorectal cancer syndrome (CRCS10). Also called: Colorectal cancer 10; COLORECTAL CANCER, SUSCEPTIBILITY TO, ON CHROMOSOME 19q; Colorectal cancer, susceptibility to, 10. Identifiers: Orphanet 220460, MedGen C2675481, MONDO:0012953, OMIM 612591.

Allele frequency attached by ClinVar (database versions not stated): gnomAD 0.00001; TOPMed 0.00001.

Submissions (2):

Labcorp Genetics (formerly Invitae), Labcorp
Classification: Uncertain significance for POLD1-related polyposis and colorectal cancer syndrome. Last evaluated: 2025-08-29. Review status: criteria provided, single submitter. Criteria: Invitae Variant Classification Sherloc (09022015). Collection method: clinical testing. Allele origin: germline.
Comment: This sequence change replaces aspartic acid, which is acidic and polar, with glutamic acid, which is acidic and polar, at codon 259 of the POLD1 protein (p.Asp259Glu). This variant is present in population databases (no rsID available, gnomAD 0.01%). This variant has not been reported in the literature in individuals affected with POLD1-related conditions. ClinVar contains an entry for this variant (Variation ID: 841929). Invitae Evidence Modeling of protein sequence and biophysical properties (such as structural, functional, and spatial information, amino acid conservation, physicochemical variation, residue mobility, and thermodynamic stability) indicates that this missense variant is not expected to disrupt POLD1 protein function with a negative predictive value of 80%. In summary, the available evidence is currently insufficient to determine the role of this variant in disease. Therefore, it has been classified as a Variant of Uncertain Significance.

Ambry Genetics
Classification: Likely benign for Hereditary cancer-predisposing syndrome. Last evaluated: 2024-03-13. Review status: criteria provided, single submitter. Criteria: Ambry Variant Classification Scheme 2023. Collection method: clinical testing. Allele origin: germline.